The following is an entry in ClinVar:

NM_001042492.3(NF1):c.6750T>C (p.Val2250=)

Gene: NF1 (neurofibromin 1; plus strand). Cytogenetic location: 17q11.2.
Variant type: single nucleotide variant.
Coding change: c.6750T>C on transcript NM_001042492.3 (MANE Select); coding-DNA position 6750, T replaced by C.
Protein change: p.Val2250=; no amino-acid change (valine 2250 retained).
Molecular consequence: synonymous variant.
Genome position (GRCh38, 1-based): chr17:31,338,070, T>C. VCF-style: chr17-31338070-T-C. GRCh37 (hg19) VCF-style: chr17-29665088-T-C.
Other names: c.6687T>C, p.Val2229= (NM_000267.4).
Identifiers: ClinVar variation 412979 (VCV000412979.16), dbSNP rs762075320, ClinGen allele CA8487423.

ClinVar aggregate classification (germline): Benign/Likely benign. Review status: criteria provided, multiple submitters, no conflicts (2 of 4 stars). 4 submissions from 4 submitters: Benign (1); Likely benign (3). Last evaluated 2026-05-21.

Conditions:
Neurofibromatosis, type 1 (NF1). Also called: VON RECKLINGHAUSEN DISEASE; NEUROFIBROMATOSIS, TYPE I, SOMATIC; Neurofibromatosis, type I; Peripheral type neurofibromatosis. Identifiers: Orphanet 636, MedGen C0027831, MONDO:0018975, OMIM 162200. Disease mechanism: loss of function.
Hereditary cancer-predisposing syndrome. Also called: Hereditary Cancer Syndrome; Neoplastic Syndromes, Hereditary; Hereditary neoplastic syndrome; Tumor predisposition. Identifiers: Orphanet 140162, MedGen C0027672, MeSH D009386, MONDO:0015356.
Cardiovascular phenotype. Identifiers: MedGen CN230736.

Allele frequency attached by ClinVar (database versions not stated): ExAC 0.00001; TOPMed 0.00002; gnomAD exomes 0.00001; gnomAD 0.00004.
gnomAD v4.1: 12 of 1,613,828 alleles (0.00074%); highest among the groups gnomAD compares: Admixed American, 0.015%; no homozygotes.

Submissions (4):

Myriad Genetics, Inc.
Classification: Benign for Neurofibromatosis, type 1. Last evaluated: 2026-05-21. Review status: criteria provided, single submitter. Criteria: Myriad Autosomal Dominant, Autosomal Recessive and X-Linked Classification Criteria (2023). Collection method: clinical testing. Allele origin: unknown.
Comment: This variant is considered benign. This variant is a silent/synonymous amino acid change and it is not expected to impact splicing.

Labcorp Genetics (formerly Invitae), Labcorp
Classification: Likely benign for Neurofibromatosis, type 1. Last evaluated: 2025-09-24. Review status: criteria provided, single submitter. Criteria: Invitae Variant Classification Sherloc (09022015). Collection method: clinical testing. Allele origin: germline.

Genome-Nilou Lab
Classification: Likely benign for Neurofibromatosis, type 1. Last evaluated: 2022-03-15. Review status: criteria provided, single submitter. Criteria: ACMG Guidelines, 2015. Collection method: clinical testing. Allele origin: germline. Affected: no.

Ambry Genetics
Classification: Likely benign for Cardiovascular phenotype; Hereditary cancer-predisposing syndrome. Last evaluated: 2017-03-02. Review status: criteria provided, single submitter. Criteria: Ambry Variant Classification Scheme 2023. Collection method: clinical testing. Allele origin: germline.